The following is an entry in ClinVar:

ClinVar aggregate classification (germline): Likely pathogenic (1 of 4 stars; one submission).

Allele frequency attached by ClinVar (database versions not stated): gnomAD 0.00001; TOPMed 0.00002.
gnomAD v4.1: 2 of 1,613,996 alleles (0.00012%); highest among the groups gnomAD compares: African/African-American, 0.0027%; no homozygotes.

Submission:

GeneDx
Classification: Likely pathogenic. Last evaluated: 2022-09-19. Review status: criteria provided, single submitter. Criteria: GeneDx Variant Classification Process June 2021. Collection method: clinical testing. Allele origin: germline. Affected: yes.
Comment: Not observed at significant frequency in large population cohorts (gnomAD); In silico analysis supports that this missense variant has a deleterious effect on protein structure/function; Has not been previously published as pathogenic or benign to our knowledge; This variant is associated with the following publications: (PMID: 28786104, 34170635, 23185506)

NM_000441.2(SLC26A4):c.277A>C (p.Ser93Arg)

Gene: SLC26A4 (solute carrier family 26 member 4; plus strand). Cytogenetic location: 7q22.3.
Variant type: single nucleotide variant.
Coding change: c.277A>C on transcript NM_000441.2 (MANE Select); coding-DNA position 277, A replaced by C.
Protein change: p.Ser93Arg; replaces serine 93 with arginine.
Molecular consequence: missense variant.
Genome position (GRCh38, 1-based): chr7:107,663,408, A>C. VCF-style: chr7-107663408-A-C. GRCh37 (hg19) VCF-style: chr7-107303853-A-C.
Other names: short protein forms S93R.
Identifiers: ClinVar variation 1306735 (VCV001306735.3), dbSNP rs1318905318, ClinGen allele CA368845685.